The following is an entry in ClinVar:

NM_000179.3(MSH6):c.3967T>G (p.Phe1323Val)

Gene: MSH6 (mutS homolog 6; plus strand). Cytogenetic location: 2p16.3.
Variant type: single nucleotide variant.
Coding change: c.3967T>G on transcript NM_000179.3 (MANE Select); coding-DNA position 3967, T replaced by G.
Protein change: p.Phe1323Val; replaces phenylalanine 1323 with valine.
Molecular consequence: missense variant.
Genome position (GRCh38, 1-based): chr2:47,806,617, T>G. VCF-style: chr2-47806617-T-G. GRCh37 (hg19) VCF-style: chr2-48033756-T-G.
Other names: c.3577T>G, p.Phe1193Val (NM_001281492.2); c.3061T>G, p.Phe1021Val (NM_001281493.2, NM_001281494.2); short protein forms F1323V, F1021V, F1193V.
Identifiers: ClinVar variation 921247 (VCV000921247.12), dbSNP rs1572747817, ClinGen allele CA346761555.

ClinVar aggregate classification (germline): Uncertain significance. Review status: criteria provided, multiple submitters, no conflicts (2 of 4 stars). 2 submissions from 2 submitters: Uncertain significance (2). Last evaluated 2025-01-17.

Conditions:
Hereditary cancer-predisposing syndrome. Also called: Neoplastic Syndromes, Hereditary; Tumor predisposition; Hereditary Cancer Syndrome; Hereditary neoplastic syndrome. Identifiers: Orphanet 140162, MedGen C0027672, MeSH D009386, MONDO:0015356.
Hereditary nonpolyposis colorectal neoplasms. Identifiers: MedGen C0009405, MeSH D003123.

Submissions (2):

Labcorp Genetics (formerly Invitae), Labcorp
Classification: Uncertain significance for Hereditary nonpolyposis colorectal neoplasms. Last evaluated: 2025-01-17. Review status: criteria provided, single submitter. Criteria: Invitae Variant Classification Sherloc (09022015). Collection method: clinical testing. Allele origin: germline.
Comment: This sequence change replaces phenylalanine, which is neutral and non-polar, with valine, which is neutral and non-polar, at codon 1323 of the MSH6 protein (p.Phe1323Val). This variant is not present in population databases (gnomAD no frequency). This variant has not been reported in the literature in individuals affected with MSH6-related conditions. ClinVar contains an entry for this variant (Variation ID: 921247). Invitae Evidence Modeling of protein sequence and biophysical properties (such as structural, functional, and spatial information, amino acid conservation, physicochemical variation, residue mobility, and thermodynamic stability) indicates that this missense variant is not expected to disrupt MSH6 protein function with a negative predictive value of 95%. In summary, the available evidence is currently insufficient to determine the role of this variant in disease. Therefore, it has been classified as a Variant of Uncertain Significance.

Color Diagnostics, LLC DBA Color Health
Classification: Uncertain significance for Hereditary cancer-predisposing syndrome. Last evaluated: 2024-03-07. Review status: criteria provided, single submitter. Criteria: ACMG Guidelines, 2015. Collection method: clinical testing. Allele origin: germline.
Comment: This missense variant replaces phenylalanine with valine at codon 1323 of the MSH6 protein. Computational prediction suggests that this variant may have deleterious impact on protein structure and function (internally defined REVEL score threshold >= 0.7, PMID: 27666373). Splice site prediction tools suggest that this variant may not impact RNA splicing. To our knowledge, functional studies have not been performed for this variant. This variant has not been reported in individuals affected with hereditary cancer in the literature. This variant has not been identified in the general population by the Genome Aggregation Database (gnomAD). The available evidence is insufficient to determine the role of this variant in disease conclusively. Therefore, this variant is classified as a Variant of Uncertain Significance.